The following is an entry in ClinVar:

NM_001164665.2(KIAA1549):c.659C>T (p.Ala220Val)

Gene: KIAA1549 (KIAA1549; minus strand). Cytogenetic location: 7q34.
Variant type: single nucleotide variant.
Coding change: c.659C>T on transcript NM_001164665.2 (MANE Select); coding-DNA position 659, C replaced by T.
Protein change: p.Ala220Val; replaces alanine 220 with valine.
Molecular consequence: missense variant.
Genome position (GRCh38, 1-based): chr7:138,918,967, G>A on the plus strand (C>T on the coding strand, the complement: KIAA1549 is on the minus strand). VCF-style: chr7-138918967-G-A. GRCh37 (hg19) VCF-style: chr7-138603713-G-A.
Other names: c.659C>T, p.Ala220Val (NM_020910.3); c.659C>T (NM_001164665.1); short protein forms A220V.
Identifiers: ClinVar variation 1003640 (VCV001003640.8), dbSNP rs1040243371, ClinGen allele CA167167063.

ClinVar aggregate classification (germline): Uncertain significance. Review status: criteria provided, multiple submitters, no conflicts (2 of 4 stars). 3 submissions from 3 submitters: Uncertain significance (3). Last evaluated 2024-06-03.

Conditions:
Retinal dystrophy. Also called: Inherited retinal dystrophy. Identifiers: Orphanet 71862, MedGen C0854723, MeSH D058499, MONDO:0019118, HP:0000556.
Inborn genetic diseases. Identifiers: MedGen C0950123, MeSH D030342.

Allele frequency attached by ClinVar (database versions not stated): gnomAD exomes below 0.00001 and 0.00001; gnomAD 0.00002; TOPMed 0.00002.
gnomAD v4.1: 25 of 1,613,880 alleles (0.0015%); highest among the groups gnomAD compares: Middle Eastern, 0.033%; no homozygotes.

Submissions (3):

Labcorp Genetics (formerly Invitae), Labcorp
Classification: Uncertain significance. Last evaluated: 2024-06-03. Review status: criteria provided, single submitter. Criteria: Invitae Variant Classification Sherloc (09022015). Collection method: clinical testing. Allele origin: germline.
Comment: This sequence change replaces alanine, which is neutral and non-polar, with valine, which is neutral and non-polar, at codon 220 of the KIAA1549 protein (p.Ala220Val). The frequency data for this variant in the population databases is considered unreliable, as metrics indicate poor data quality at this position in the gnomAD database. This variant has not been reported in the literature in individuals affected with KIAA1549-related conditions. ClinVar contains an entry for this variant (Variation ID: 1003640). Algorithms developed to predict the effect of missense changes on protein structure and function output the following: SIFT: "Not Available"; PolyPhen-2: "Benign"; Align-GVGD: "Not Available". The valine amino acid residue is found in multiple mammalian species, which suggests that this missense change does not adversely affect protein function. In summary, the available evidence is currently insufficient to determine the role of this variant in disease. Therefore, it has been classified as a Variant of Uncertain Significance.

Dept Of Ophthalmology, Nagoya University
Classification: Uncertain significance for Retinal dystrophy. Last evaluated: 2023-10-01. Review status: criteria provided, single submitter. Criteria: Submitter's publication. Collection method: research. Allele origin: germline. Affected: yes.

Ambry Genetics
Classification: Uncertain significance for Inborn genetic diseases. Last evaluated: 2022-04-07. Review status: criteria provided, single submitter. Criteria: Ambry Variant Classification Scheme 2023. Collection method: clinical testing. Allele origin: germline.